The following is an entry in ClinVar:

NM_014846.4(WASHC5):c.2332A>G (p.Ile778Val)

Gene: WASHC5 (WASH complex subunit 5; minus strand). Cytogenetic location: 8q24.13.
Variant type: single nucleotide variant.
Coding change: c.2332A>G on transcript NM_014846.4 (MANE Select); coding-DNA position 2332, A replaced by G.
Protein change: p.Ile778Val; replaces isoleucine 778 with valine.
Molecular consequence: missense variant.
Genome position (GRCh38, 1-based): chr8:125,049,053, T>C on the plus strand (A>G on the coding strand, the complement: WASHC5 is on the minus strand). VCF-style: chr8-125049053-T-C. GRCh37 (hg19) VCF-style: chr8-126061295-T-C.
Other names: c.1888A>G, p.Ile630Val (NM_001330609.2); short protein forms I778V, I630V.
Identifiers: ClinVar variation 834556 (VCV000834556.43), dbSNP rs146623998, ClinGen allele CA4873557.

ClinVar aggregate classification (germline): Conflicting classifications of pathogenicity. Review status: criteria provided, conflicting classifications (1 of 4 stars). 4 submissions from 4 submitters: Uncertain significance (1); Likely benign (3). Last evaluated 2025-06-10.

Conditions:
Hereditary spastic paraplegia 8 (SPG8). Also called: SPASTIC PARAPLEGIA 8, AUTOSOMAL DOMINANT. Identifiers: Orphanet 100989, MedGen C1863704, MONDO:0011339, OMIM 603563.
Ritscher-Schinzel syndrome. Also called: CRANIOCEREBELLOCARDIAC DYSPLASIA. Identifiers: Orphanet 7, MedGen C0796137, MONDO:0019078.

Allele frequency attached by ClinVar (database versions not stated): gnomAD exomes 0.00007; gnomAD 0.00009 and 0.00012; TOPMed 0.00010; ESP Exome Variant Server 0.00023.
gnomAD v4.1: 128 of 1,613,938 alleles (0.0079%); highest among the groups gnomAD compares: Middle Eastern, 0.12%; no homozygotes.

Submissions (4):

Labcorp Genetics (formerly Invitae), Labcorp
Classification: Likely benign for Ritscher-Schinzel syndrome; Hereditary spastic paraplegia 8. Last evaluated: 2025-06-10. Review status: criteria provided, single submitter. Criteria: Invitae Variant Classification Sherloc (09022015). Collection method: clinical testing. Allele origin: germline.

Blueprint Genetics
Classification: Likely benign. Last evaluated: 2024-06-27. Review status: criteria provided, single submitter. Criteria: ACMG Guidelines, 2015. Collection method: clinical testing. Allele origin: germline.

CeGaT Center for Human Genetics Tuebingen
Classification: Uncertain significance. Last evaluated: 2022-11-01. Review status: criteria provided, single submitter. Criteria: CeGaT Center For Human Genetics Tuebingen Variant Classification Criteria Version 2. Collection method: clinical testing. Allele origin: germline. Affected: yes. Observed: 2 variant alleles.
Comment: WASHC5: PM2

Illumina Laboratory Services, Illumina
Classification: Likely benign for Hereditary spastic paraplegia 8. Last evaluated: 2018-01-13. Review status: criteria provided, single submitter. Criteria: ICSL Variant Classification Criteria 13 December 2019. Collection method: clinical testing. Allele origin: germline.
Comment: This variant was observed in the ICSL laboratory as part of a predisposition screen in an ostensibly healthy population. It had not been previously curated by ICSL or reported in the Human Gene Mutation Database (HGMD: prior to June 1st, 2018), and was therefore a candidate for classification through an automated scoring system. Utilizing variant allele frequency, disease prevalence and penetrance estimates, and inheritance mode, an automated score was calculated to assess if this variant is too frequent to cause the disease. Based on the score and internal cut-off values, a variant classified as likely benign is not then subjected to further curation. The score for this variant resulted in a classification of likely benign for this disease.